The following is an entry in ClinVar:

ClinVar aggregate classification (germline): Benign/Likely benign. Review status: criteria provided, multiple submitters, no conflicts (2 of 4 stars). 6 submissions from 6 submitters: Benign (4); Likely benign (2). Last evaluated 2026-01-08.

Conditions:
GSDME-related disorder. Also called: GSDME-related condition.

Allele frequency attached by ClinVar (database versions not stated): gnomAD 0.00010; TOPMed 0.00010; ESP Exome Variant Server 0.00023; 1000 Genomes Project 30x 0.00219; 1000 Genomes Project 0.00240.
gnomAD v4.1: 954 of 1,614,164 alleles (0.059%); highest among the groups gnomAD compares: South Asian, 0.93%; 15 homozygotes.

Submissions (6):

Labcorp Genetics (formerly Invitae), Labcorp
Classification: Benign. Last evaluated: 2026-01-08. Review status: criteria provided, single submitter. Criteria: Invitae Variant Classification Sherloc (09022015). Collection method: clinical testing. Allele origin: germline.

PreventionGenetics, part of Exact Sciences
Classification: Benign for GSDME-related condition. Last evaluated: 2025-06-21. Review status: criteria provided, single submitter. Criteria: ACMG Guidelines, 2015. Collection method: clinical testing. Allele origin: germline.
Comment: This variant is classified as benign based on ACMG/AMP sequence variant interpretation guidelines (Richards et al. 2015 PMID: 25741868, with internal and published modifications).

Blueprint Genetics
Classification: Likely benign. Last evaluated: 2024-11-19. Review status: criteria provided, single submitter. Criteria: ACMG Guidelines, 2015. Collection method: clinical testing. Allele origin: germline.

CeGaT Center for Human Genetics Tuebingen
Classification: Likely benign. Last evaluated: 2024-08-01. Review status: criteria provided, single submitter. Criteria: CeGaT Center For Human Genetics Tuebingen Variant Classification Criteria Version 2. Collection method: clinical testing. Allele origin: germline. Affected: yes. Observed: 4 variant alleles.
Comment: GSDME: BS2

GeneDx
Classification: Benign. Last evaluated: 2021-07-07. Review status: criteria provided, single submitter. Criteria: GeneDx Variant Classification Process June 2021. Collection method: clinical testing. Allele origin: germline. Affected: yes.

Laboratory for Molecular Medicine, Mass General Brigham Personalized Medicine
Classification: Benign. Last evaluated: 2015-05-28. Review status: criteria provided, single submitter. Criteria: LMM Criteria. Collection method: clinical testing. Allele origin: germline. Observed: 1 variant allele.
Comment: p.Asp29Glu in exon 2 of DFNA5: This variant is not expected to have clinical sig nificance it has been identified in 1.0% (171/16510) of South Asian chromosomes by the Exome Aggregation Consortium (ExAC; dbSNP rs148370267).

NM_001127453.2(GSDME):c.87T>A (p.Asp29Glu)

Gene: GSDME (gasdermin E; minus strand). Cytogenetic location: 7p15.3.
Variant type: single nucleotide variant.
Coding change: c.87T>A on transcript NM_001127453.2 (MANE Select); coding-DNA position 87, T replaced by A.
Protein change: p.Asp29Glu; replaces aspartic acid 29 with glutamic acid.
Molecular consequence: missense variant. On other transcripts: intron variant (1).
Genome position (GRCh38, 1-based): chr7:24,749,688, A>T on the plus strand (T>A on the coding strand, the complement: GSDME is on the minus strand). VCF-style: chr7-24749688-A-T. GRCh37 (hg19) VCF-style: chr7-24789307-A-T.
Other names: c.87T>A, p.Asp29Glu (NM_004403.3); c.-281-4934T>A (NM_001127454.2); short protein forms D29E.
Identifiers: ClinVar variation 226560 (VCV000226560.39), dbSNP rs148370267, ClinGen allele CA4191847.